The following is an entry in ClinVar:

ClinVar aggregate classification (germline): Uncertain significance (1 of 4 stars; one submission).

Conditions:
NRP1-related disorder. Also called: NRP1-related condition.

gnomAD v4.1: 4 of 1,614,000 alleles (0.00025%); highest among the groups gnomAD compares: South Asian, 0.0044%; no homozygotes.

Submission:

PreventionGenetics, part of Exact Sciences
Classification: Uncertain significance for NRP1-related condition. Last evaluated: 2025-09-03. Review status: criteria provided, single submitter. Criteria: ACMG Guidelines, 2015. Collection method: clinical testing. Allele origin: germline.
Comment: The NRP1 c.1582A>G variant is predicted to result in the amino acid substitution p.Met528Val. To our knowledge, this variant has not been reported in the literature. This variant is reported in 0.0065% of alleles in individuals of South Asian descent in gnomAD. At this time, the clinical significance of this variant is uncertain due to the absence of conclusive functional and genetic evidence.

NM_003873.7(NRP1):c.1582A>G (p.Met528Val)

Gene: NRP1 (neuropilin 1; minus strand). Cytogenetic location: 10p11.22.
Variant type: single nucleotide variant.
Coding change: c.1582A>G on transcript NM_003873.7 (MANE Select); coding-DNA position 1582, A replaced by G.
Protein change: p.Met528Val; replaces methionine 528 with valine.
Molecular consequence: missense variant. On other transcripts: non-coding transcript variant (1).
Genome position (GRCh38, 1-based): chr10:33,213,418, T>C on the plus strand (A>G on the coding strand, the complement: NRP1 is on the minus strand). VCF-style: chr10-33213418-T-C. GRCh37 (hg19) VCF-style: chr10-33502346-T-C.
Other names: c.1582A>G, p.Met528Val (NM_001024628.3, NM_001024629.3, NM_001244972.2 and 2 more transcripts); short protein forms M528V.
Identifiers: ClinVar variation 4993734 (VCV004993734.1).
Genomic context (GRCh38, chr10:33,213,418, plus strand): 5'-TGACCTCCTCCCAGTCCCCAGCCCTCACCTTCGCCTTGCGTTTGCTGTCATCCATGATCA[T>C]CTTCCAGTCCGAGCCGTTGTTGCTGTACCCGATCTTGAACTTCCTCATGAACACCTTGTT-3'
Protein context (NP_003864.5, residues 518-538): GYSNNGSDWK[Met528Val]IMDDSKRKAK